The following is an entry in ClinVar:

NM_001803.3(CD52):c.119A>G (p.Asn40Ser)

Gene: CD52 (CD52 molecule; plus strand). Cytogenetic location: 1p36.11.
Variant type: single nucleotide variant.
Coding change: c.119A>G on transcript NM_001803.3 (MANE Select); coding-DNA position 119, A replaced by G.
Protein change: p.Asn40Ser; replaces asparagine 40 with serine.
Molecular consequence: missense variant.
Genome position (GRCh38, 1-based): chr1:26,320,235, A>G. VCF-style: chr1-26320235-A-G. GRCh37 (hg19) VCF-style: chr1-26646726-A-G.
Other names: short protein forms N40S.
Identifiers: ClinVar variation 3059084 (VCV003059084.2), dbSNP rs1071849, ClinGen allele CA703354.

ClinVar aggregate classification (germline): Benign (0 of 4 stars; one submission).

Conditions:
CD52-related disorder. Also called: CD52-related condition.

Allele frequency attached by ClinVar (database versions not stated): 1000 Genomes Project 0.58067; 1000 Genomes Project 30x 0.58885; ExAC 0.67108; TOPMed 0.69318; gnomAD 0.69445; gnomAD exomes 0.72793; ESP Exome Variant Server 0.73205.
gnomAD v4.1: 1,167,023 of 1,612,364 alleles (72%); highest among the groups gnomAD compares: Non-Finnish European, 76%; 428,107 homozygotes.

Submission:

PreventionGenetics, part of Exact Sciences
Classification: Benign for CD52-related condition. Last evaluated: 2019-10-16. Review status: no assertion criteria provided. Collection method: clinical testing. Allele origin: germline.
Comment: This variant is classified as benign based on ACMG/AMP sequence variant interpretation guidelines (Richards et al. 2015 PMID: 25741868, with internal and published modifications).